The following is an entry in ClinVar:

ClinVar aggregate classification (germline): Uncertain significance (1 of 4 stars; one submission).

Conditions:
Neurofibromatosis, type 1 (NF1). Also called: Peripheral type neurofibromatosis; VON RECKLINGHAUSEN DISEASE; Neurofibromatosis, type I; NEUROFIBROMATOSIS, TYPE I, SOMATIC. Identifiers: Orphanet 636, MedGen C0027831, MONDO:0018975, OMIM 162200. Disease mechanism: loss of function.

Allele frequency attached by ClinVar (database versions not stated): gnomAD exomes below 0.00001.
gnomAD v4.1: 1 of 1,613,716 alleles (0.000062%); no homozygotes.

Submission:

Labcorp Genetics (formerly Invitae), Labcorp
Classification: Uncertain significance for Neurofibromatosis, type 1. Last evaluated: 2023-12-06. Review status: criteria provided, single submitter. Criteria: Invitae Variant Classification Sherloc (09022015). Collection method: clinical testing. Allele origin: germline.
Comment: This sequence change replaces lysine, which is basic and polar, with glutamic acid, which is acidic and polar, at codon 757 of the NF1 protein (p.Lys757Glu). This variant is present in population databases (no rsID available, gnomAD 0.006%). This variant has not been reported in the literature in individuals affected with NF1-related conditions. Advanced modeling of protein sequence and biophysical properties (such as structural, functional, and spatial information, amino acid conservation, physicochemical variation, residue mobility, and thermodynamic stability) performed at Invitae indicates that this missense variant is expected to disrupt NF1 protein function with a positive predictive value of 95%. In summary, the available evidence is currently insufficient to determine the role of this variant in disease. Therefore, it has been classified as a Variant of Uncertain Significance.

NM_001042492.3(NF1):c.2269A>G (p.Lys757Glu)

Gene: NF1 (neurofibromin 1; plus strand). Cytogenetic location: 17q11.2.
Variant type: single nucleotide variant.
Coding change: c.2269A>G on transcript NM_001042492.3 (MANE Select); coding-DNA position 2269, A replaced by G.
Protein change: p.Lys757Glu; replaces lysine 757 with glutamic acid.
Molecular consequence: missense variant.
Genome position (GRCh38, 1-based): chr17:31,227,235, A>G. VCF-style: chr17-31227235-A-G. GRCh37 (hg19) VCF-style: chr17-29554253-A-G.
Other names: c.2269A>G, p.Lys757Glu (NM_000267.4); short protein forms K757E.
Identifiers: ClinVar variation 2701261 (VCV002701261.3), dbSNP rs1270674587, ClinGen allele CA398982725.
Genomic context (GRCh38, chr17:31,227,235, plus strand): 5'-GGCTCTAAGTGCAGTAACTTGATTTGCTGTTGTATTTGCTTAGGAAGAGCAGCACTTCAG[A>G]AAAGAGTGATGGCACTGCTGAGGCGCATTGAGCATCCCACTGCAGGAAACACTGAGGTAT-3'
Protein context (NP_001035957.1, residues 747-767): MMSTGRAALQ[Lys757Glu]RVMALLRRIE